The following is an entry in ClinVar:

ClinVar aggregate classification (germline): Uncertain significance (1 of 4 stars; one submission).

Conditions:
Cardiovascular phenotype. Identifiers: MedGen CN230736.

Submission:

Ambry Genetics
Classification: Uncertain significance for Cardiovascular phenotype. Last evaluated: 2025-11-07. Review status: criteria provided, single submitter. Criteria: Ambry Variant Classification Scheme 2023. Collection method: clinical testing. Allele origin: germline.
Comment: The p.R1554C variant (also known as c.4660C>T), located in coding exon 2 of the ZNF469 gene, results from a C to T substitution at nucleotide position 4660. The arginine at codon 1554 is replaced by cysteine, an amino acid with highly dissimilar properties. This amino acid position is conserved. In addition, this alteration is predicted to be tolerated by in silico analysis. Based on the available evidence, the clinical significance of this variant remains unclear.

NM_001127464.1:c.4660C>T

Gene: ZNF469 (zinc finger protein 469; plus strand).
Variant type: single nucleotide variant.
Identifiers: ClinVar variation 4615493 (VCV004615493.1).